The following is an entry in ClinVar:

ClinVar aggregate classification (germline): Conflicting classifications of pathogenicity. Review status: criteria provided, conflicting classifications (1 of 4 stars). 10 submissions from 7 submitters: Uncertain significance (1); Benign (2); Likely benign (7). Last evaluated 2026-02-03.

Conditions:
Multiple endocrine neoplasia. Identifiers: Orphanet 276161, MedGen C0027662, MONDO:0017169.
Hereditary cancer-predisposing syndrome. Also called: Tumor predisposition; Hereditary neoplastic syndrome; Hereditary Cancer Syndrome; Neoplastic Syndromes, Hereditary. Identifiers: Orphanet 140162, MedGen C0027672, MeSH D009386, MONDO:0015356.
Multiple endocrine neoplasia, type 2 (MEN2). Identifiers: Orphanet 653, MedGen C4048306, MONDO:0019003. Disease mechanism: gain of function.
Hirschsprung disease, susceptibility to, 1 (HSCR1). Also called: RET-Related Hirschsprung Disease. Identifiers: Orphanet 388, MedGen C3888239, MONDO:0007723, OMIM 142623.
Renal hypodysplasia/aplasia 1 (RHDA1). Also called: RENAL APLASIA; HEREDITARY RENAL APLASIA. Identifiers: Orphanet 411709, MedGen C1619700, MONDO:0024519, OMIM 191830.
Pheochromocytoma. Also called: MAX-Related Hereditary Paraganglioma-Pheochromocytoma Syndrome. Identifiers: Orphanet 29072, MedGen C0031511, MONDO:0008233, OMIM 171300, HP:0002666.

Allele frequency attached by ClinVar (database versions not stated): TOPMed 0.00009; gnomAD exomes 0.00009 and 0.00012; gnomAD 0.00012; ExAC 0.00008.
gnomAD v4.1: 195 of 1,614,226 alleles (0.012%); highest among the groups gnomAD compares: Non-Finnish European, 0.015%; no homozygotes.

Submissions (10):

Labcorp Genetics (formerly Invitae), Labcorp
Classification: Likely benign for Multiple endocrine neoplasia, type 2. Last evaluated: 2026-02-03. Review status: criteria provided, single submitter. Criteria: Invitae Variant Classification Sherloc (09022015). Collection method: clinical testing. Allele origin: germline.

Blueprint Genetics
Classification: Likely benign. Last evaluated: 2024-05-15. Review status: criteria provided, single submitter. Criteria: ACMG Guidelines, 2015. Collection method: clinical testing. Allele origin: germline.

CeGaT Center for Human Genetics Tuebingen
Classification: Likely benign. Last evaluated: 2023-11-01. Review status: criteria provided, single submitter. Criteria: CeGaT Center For Human Genetics Tuebingen Variant Classification Criteria Version 2. Collection method: clinical testing. Allele origin: germline. Affected: yes. Observed: 4 variant alleles.
Comment: RET: BP4, BP7

Color Diagnostics, LLC DBA Color Health
Classification: Likely benign for Multiple endocrine neoplasia, type 2. Last evaluated: 2023-03-31. Review status: criteria provided, single submitter. Criteria: ACMG Guidelines, 2015. Collection method: clinical testing. Allele origin: germline.

Illumina Laboratory Services, Illumina
Classification: Benign for Pheochromocytoma. Last evaluated: 2018-01-13. Review status: criteria provided, single submitter. Criteria: ICSL Variant Classification Criteria 13 December 2019. Collection method: clinical testing. Allele origin: germline.
Comment: This variant was observed in the ICSL laboratory as part of a predisposition screen in an ostensibly healthy population. It had not been previously curated by ICSL or reported in the Human Gene Mutation Database (HGMD: prior to June 1st, 2018), and was therefore a candidate for classification through an automated scoring system. Utilizing variant allele frequency, disease prevalence and penetrance estimates, and inheritance mode, an automated score was calculated to assess if this variant is too frequent to cause the disease. Based on the score and internal cut-off values, a variant classified as benign is not then subjected to further curation. The score for this variant resulted in a classification of benign for this disease.

Illumina Laboratory Services, Illumina
Classification: Benign for Multiple endocrine neoplasia. Last evaluated: 2018-01-13. Review status: criteria provided, single submitter. Criteria: ICSL Variant Classification Criteria 13 December 2019. Collection method: clinical testing. Allele origin: germline.
Comment: the same text as in the submission from Illumina Laboratory Services, Illumina above.

Illumina Laboratory Services, Illumina
Classification: Likely benign for Hirschsprung disease, susceptibility to, 1. Last evaluated: 2018-01-13. Review status: criteria provided, single submitter. Criteria: ICSL Variant Classification Criteria 13 December 2019. Collection method: clinical testing. Allele origin: germline.
Comment: This variant was observed in the ICSL laboratory as part of a predisposition screen in an ostensibly healthy population. It had not been previously curated by ICSL or reported in the Human Gene Mutation Database (HGMD: prior to June 1st, 2018), and was therefore a candidate for classification through an automated scoring system. Utilizing variant allele frequency, disease prevalence and penetrance estimates, and inheritance mode, an automated score was calculated to assess if this variant is too frequent to cause the disease. Based on the score and internal cut-off values, a variant classified as likely benign is not then subjected to further curation. The score for this variant resulted in a classification of likely benign for this disease.

Illumina Laboratory Services, Illumina
Classification: Uncertain significance for Renal hypodysplasia/aplasia 1. Last evaluated: 2018-01-13. Review status: criteria provided, single submitter. Criteria: ICSL Variant Classification Criteria 13 December 2019. Collection method: clinical testing. Allele origin: germline.

GeneDx
Classification: Likely benign. Last evaluated: 2018-01-03. Review status: criteria provided, single submitter. Criteria: GeneDx Variant Classification (06012015). Collection method: clinical testing. Allele origin: germline. Affected: yes.
Comment: This variant is considered likely benign or benign based on one or more of the following criteria: it is a conservative change, it occurs at a poorly conserved position in the protein, it is predicted to be benign by multiple in silico algorithms, and/or has population frequency not consistent with disease.

Ambry Genetics
Classification: Likely benign for Hereditary cancer-predisposing syndrome. Last evaluated: 2015-09-06. Review status: criteria provided, single submitter. Criteria: Ambry Variant Classification Scheme 2023. Collection method: clinical testing. Allele origin: germline.

NM_020975.6(RET):c.597C>T (p.Asn199=)

Gene: RET (ret proto-oncogene; plus strand). Cytogenetic location: 10q11.21.
Variant type: single nucleotide variant.
Coding change: c.597C>T on transcript NM_020975.6 (MANE Select); coding-DNA position 597, C replaced by T.
Protein change: p.Asn199=; no amino-acid change (asparagine 199 retained).
Molecular consequence: synonymous variant. On other transcripts: intron variant (15).
Genome position (GRCh38, 1-based): chr10:43,102,601, C>T. VCF-style: chr10-43102601-C-T. GRCh37 (hg19) VCF-style: chr10-43598049-C-T.
Other names: c.597C>T, p.Asn199= (NM_000323.2, NM_001406743.1, NM_001406744.1 and 16 more transcripts); c.468C>T, p.Asn156= (NM_001406761.1, NM_001406762.1, NM_001406764.1 and 4 more transcripts); c.337+1879C>T (NM_001406770.1, NM_001406766.1, NM_001406767.1 and 8 more transcripts); c.74-6430C>T (NM_001406784.1); c.74-9498C>T (NM_001406794.1, NM_001406792.1, NM_001406793.1).
Identifiers: ClinVar variation 136121 (VCV000136121.47), dbSNP rs55810667, ClinGen allele CA009297.